The following is an entry in ClinVar:

NM_152564.5(VPS13B):c.3751A>G (p.Thr1251Ala)

Gene: VPS13B (vacuolar protein sorting 13 homolog B; plus strand). Cytogenetic location: 8q22.2.
Variant type: single nucleotide variant.
Coding change: c.3751A>G on transcript NM_152564.5 (MANE Select); coding-DNA position 3751, A replaced by G.
Protein change: p.Thr1251Ala; replaces threonine 1251 with alanine.
Molecular consequence: missense variant.
Genome position (GRCh38, 1-based): chr8:99,481,683, A>G. VCF-style: chr8-99481683-A-G. GRCh37 (hg19) VCF-style: chr8-100493911-A-G.
Other names: c.3751A>G (NM_017890.3); c.3751A>G, p.Thr1251Ala (NM_017890.5); short protein forms T1251A.
Identifiers: ClinVar variation 95849 (VCV000095849.67), dbSNP rs184693266, ClinGen allele CA223432.

ClinVar aggregate classification (germline): Benign/Likely benign. Review status: criteria provided, multiple submitters, no conflicts (2 of 4 stars). 13 submissions from 13 submitters: Benign (5); Likely benign (7). 1 of the submissions does not count toward it. Last evaluated 2026-08-01.

Conditions:
Inborn genetic diseases. Identifiers: MedGen C0950123, MeSH D030342.
Cohen syndrome (COH1). Also called: PEPPER SYNDROME; Cutis verticis gyrata, retinitis pigmentosa, and sensorineural deafness. Identifiers: Orphanet 193, MedGen C0265223, MONDO:0008999, OMIM 216550.

Allele frequency attached by ClinVar (database versions not stated): 1000 Genomes Project 0.00379; ESP Exome Variant Server 0.00015; TOPMed 0.00028; gnomAD 0.00029; ExAC 0.00152; 1000 Genomes Project 30x 0.00297.
gnomAD v4.1: 1,185 of 1,613,920 alleles (0.073%); highest among the groups gnomAD compares: South Asian, 0.84%; 11 homozygotes.

Submissions (13):

CeGaT Center for Human Genetics Tuebingen
Classification: Likely benign. Last evaluated: 2026-08-01. Review status: criteria provided, single submitter. Criteria: CeGaT Center For Human Genetics Tuebingen Variant Classification Criteria Version 2. Collection method: clinical testing. Allele origin: germline. Affected: yes. Observed: 7 variant alleles.
Comment: VPS13B: BP4, BS2

Labcorp Genetics (formerly Invitae), Labcorp
Classification: Benign for Cohen syndrome. Last evaluated: 2026-02-02. Review status: criteria provided, single submitter. Criteria: Invitae Variant Classification Sherloc (09022015). Collection method: clinical testing. Allele origin: germline.

Mayo Clinic Laboratories, Mayo Clinic
Classification: Benign. Last evaluated: 2025-04-15. Review status: criteria provided, single submitter. Criteria: ACMG Guidelines, 2015. Collection method: clinical testing. Allele origin: germline. Observed: 5 variant alleles.
Comment: BS1, BS2, BP4_moderate

Blueprint Genetics
Classification: Likely benign. Last evaluated: 2024-11-27. Review status: criteria provided, single submitter. Criteria: ACMG Guidelines, 2015. Collection method: clinical testing. Allele origin: germline.

Johns Hopkins Genomics, Johns Hopkins University
Classification: Likely benign for Cohen syndrome. Last evaluated: 2024-05-22. Review status: criteria provided, single submitter. Criteria: ACMG Guidelines, 2015. Collection method: clinical testing. Allele origin: germline.
Comment: BS2, BP6

Genome-Nilou Lab
Classification: Likely benign for Cohen syndrome. Last evaluated: 2021-05-18. Review status: criteria provided, single submitter. Criteria: ACMG Guidelines, 2015. Collection method: clinical testing. Allele origin: germline. Affected: no.

Ambry Genetics
Classification: Benign for Inborn genetic diseases. Last evaluated: 2019-11-11. Review status: criteria provided, single submitter. Criteria: Ambry Variant Classification Scheme 2023. Collection method: clinical testing. Allele origin: germline.

GeneDx
Classification: Benign. Last evaluated: 2018-10-24. Review status: criteria provided, single submitter. Criteria: GeneDx Variant Classification Process June 2021. Collection method: clinical testing. Allele origin: germline. Affected: yes.

Athena Diagnostics
Classification: Likely benign. Last evaluated: 2018-04-23. Review status: criteria provided, single submitter. Criteria: Athena Diagnostics Criteria. Collection method: clinical testing. Allele origin: germline.

Illumina Laboratory Services, Illumina
Classification: Likely benign for Cohen syndrome. Last evaluated: 2018-01-13. Review status: criteria provided, single submitter. Criteria: ICSL Variant Classification Criteria 13 December 2019. Collection method: clinical testing. Allele origin: germline.
Comment: This variant was observed in the ICSL laboratory as part of a predisposition screen in an ostensibly healthy population. It had not been previously curated by ICSL or reported in the Human Gene Mutation Database (HGMD: prior to June 1st, 2018), and was therefore a candidate for classification through an automated scoring system. Utilizing variant allele frequency, disease prevalence and penetrance estimates, and inheritance mode, an automated score was calculated to assess if this variant is too frequent to cause the disease. Based on the score and internal cut-off values, a variant classified as likely benign is not then subjected to further curation. The score for this variant resulted in a classification of likely benign for this disease.

Eurofins Ntd Llc (ga)
Classification: Benign. Last evaluated: 2017-03-21. Review status: criteria provided, single submitter. Criteria: EGL Classification Definitions 2015. Collection method: clinical testing. Allele origin: germline. Observed: 2 variant alleles, 1 heterozygote, 1 homozygote.

PreventionGenetics, part of Exact Sciences
Classification: Likely benign. Review status: criteria provided, single submitter. Criteria: ACMG Guidelines, 2015. Collection method: clinical testing. Allele origin: germline.

Natera, Inc.
Classification: Benign for Cohen syndrome. Last evaluated: 2019-10-21. Review status: no assertion criteria provided. Collection method: clinical testing. Allele origin: germline. Not counted in ClinVar's aggregate classification.